The following is an entry in ClinVar:

NM_020778.5(ALPK3):c.442G>A (p.Ala148Thr)

Gene: ALPK3 (alpha kinase 3; plus strand). Cytogenetic location: 15q25.3.
Variant type: single nucleotide variant.
Coding change: c.442G>A on transcript NM_020778.5 (MANE Select); coding-DNA position 442, G replaced by A.
Protein change: p.Ala148Thr; replaces alanine 148 with threonine.
Molecular consequence: missense variant.
Genome position (GRCh38, 1-based): chr15:84,839,721, G>A. VCF-style: chr15-84839721-G-A. GRCh37 (hg19) VCF-style: chr15-85382952-G-A.
Other names: short protein forms A148T.
Identifiers: ClinVar variation 1776139 (VCV001776139.4), dbSNP rs1370153077, ClinGen allele CA393372480.

ClinVar aggregate classification (germline): Uncertain significance. Review status: criteria provided, multiple submitters, no conflicts (2 of 4 stars). 2 submissions from 2 submitters: Uncertain significance (2). Last evaluated 2025-01-17.

Conditions:
Cardiovascular phenotype. Identifiers: MedGen CN230736.

Allele frequency attached by ClinVar (database versions not stated): TOPMed 0.00001.

Submissions (2):

Labcorp Genetics (formerly Invitae), Labcorp
Classification: Uncertain significance. Last evaluated: 2025-01-17. Review status: criteria provided, single submitter. Criteria: Invitae Variant Classification Sherloc (09022015). Collection method: clinical testing. Allele origin: germline.
Comment: This sequence change replaces alanine, which is neutral and non-polar, with threonine, which is neutral and polar, at codon 350 of the ALPK3 protein (p.Ala350Thr). This variant is not present in population databases (gnomAD no frequency). This variant has not been reported in the literature in individuals affected with ALPK3-related conditions. ClinVar contains an entry for this variant (Variation ID: 1776139). An algorithm developed to predict the effect of missense changes on protein structure and function (PolyPhen-2) suggests that this variant is likely to be disruptive. In summary, the available evidence is currently insufficient to determine the role of this variant in disease. Therefore, it has been classified as a Variant of Uncertain Significance.

Ambry Genetics
Classification: Uncertain significance for Cardiovascular phenotype. Last evaluated: 2019-05-08. Review status: criteria provided, single submitter. Criteria: Ambry Variant Classification Scheme 2023. Collection method: clinical testing. Allele origin: germline.
Comment: The p.A350T variant (also known as c.1048G>A), located in coding exon 5 of the ALPK3 gene, results from a G to A substitution at nucleotide position 1048. The alanine at codon 350 is replaced by threonine, an amino acid with similar properties. This amino acid position is well conserved in available vertebrate species. In addition, the in silico prediction for this alteration is inconclusive. Since supporting evidence is limited at this time, the clinical significance of this alteration remains unclear.